The following is an entry in ClinVar:

NM_173546.3(KLHDC8B):c.646G>A (p.Gly216Ser)

Gene: KLHDC8B (kelch domain containing 8B; plus strand). Cytogenetic location: 3p21.31.
Variant type: single nucleotide variant.
Coding change: c.646G>A on transcript NM_173546.3 (MANE Select); coding-DNA position 646, G replaced by A.
Protein change: p.Gly216Ser; replaces glycine 216 with serine.
Molecular consequence: missense variant.
Genome position (GRCh38, 1-based): chr3:49,174,846, G>A. VCF-style: chr3-49174846-G-A. GRCh37 (hg19) VCF-style: chr3-49212279-G-A.
Other names: short protein forms G216S.
Identifiers: ClinVar variation 2128908 (VCV002128908.4), dbSNP rs2470622848, ClinGen allele CA352777058.

ClinVar aggregate classification (germline): Uncertain significance (1 of 4 stars; one submission).

Submission:

Labcorp Genetics (formerly Invitae), Labcorp
Classification: Uncertain significance. Last evaluated: 2022-11-08. Review status: criteria provided, single submitter. Criteria: Invitae Variant Classification Sherloc (09022015). Collection method: clinical testing. Allele origin: germline.
Comment: In summary, the available evidence is currently insufficient to determine the role of this variant in disease. Therefore, it has been classified as a Variant of Uncertain Significance. Algorithms developed to predict the effect of missense changes on protein structure and function output the following: SIFT: "Tolerated"; PolyPhen-2: "Benign"; Align-GVGD: "Class C0". The serine amino acid residue is found in multiple mammalian species, which suggests that this missense change does not adversely affect protein function. This variant has not been reported in the literature in individuals affected with KLHDC8B-related conditions. This variant is not present in population databases (gnomAD no frequency). This sequence change replaces glycine, which is neutral and non-polar, with serine, which is neutral and polar, at codon 216 of the KLHDC8B protein (p.Gly216Ser).